The following is an entry in ClinVar:

ClinVar aggregate classification (germline): Uncertain significance (1 of 4 stars; one submission).

Allele frequency attached by ClinVar (database versions not stated): gnomAD exomes 0.00001.
gnomAD v4.1: 4 of 1,614,194 alleles (0.00025%); highest among the groups gnomAD compares: Middle Eastern, 0.066%; no homozygotes.

Submission:

GeneDx
Classification: Uncertain significance. Last evaluated: 2019-07-26. Review status: criteria provided, single submitter. Criteria: GeneDx Variant Classification Process June 2021. Collection method: clinical testing. Allele origin: germline. Affected: yes.
Comment: In silico analysis, which includes protein predictors and evolutionary conservation, supports that this variant does not alter protein structure/function; Has not been previously published as pathogenic or benign to our knowledge

NM_002047.4(GARS1):c.1170G>A (p.Met390Ile)

Gene: GARS1 (glycyl-tRNA synthetase 1; plus strand). Cytogenetic location: 7p14.3.
Variant type: single nucleotide variant.
Coding change: c.1170G>A on transcript NM_002047.4 (MANE Select); coding-DNA position 1170, G replaced by A.
Protein change: p.Met390Ile; replaces methionine 390 with isoleucine.
Molecular consequence: missense variant.
Genome position (GRCh38, 1-based): chr7:30,616,034, G>A. VCF-style: chr7-30616034-G-A. GRCh37 (hg19) VCF-style: chr7-30655650-G-A.
Other names: c.1008G>A, p.Met336Ile (NM_001316772.1); short protein forms M336I, M390I.
Identifiers: ClinVar variation 1187819 (VCV001187819.2), dbSNP rs1436808636, ClinGen allele CA367126508.